The following is an entry in ClinVar:

NM_000292.3(PHKA2):c.1384G>A (p.Val462Ile)

Gene: PHKA2 (phosphorylase kinase regulatory subunit alpha 2; minus strand). Cytogenetic location: Xp22.13.
Variant type: single nucleotide variant.
Coding change: c.1384G>A on transcript NM_000292.3 (MANE Select); coding-DNA position 1384, G replaced by A.
Protein change: p.Val462Ile; replaces valine 462 with isoleucine.
Molecular consequence: missense variant.
Genome position (GRCh38, 1-based): chrX:18,926,528, C>T on the plus strand (G>A on the coding strand, the complement: PHKA2 is on the minus strand). VCF-style: chrX-18926528-C-T. GRCh37 (hg19) VCF-style: chrX-18944646-C-T.
Other names: short protein forms V462I.
Identifiers: ClinVar variation 999660 (VCV000999660.8), dbSNP rs1389980232, ClinGen allele CA412393791.

ClinVar aggregate classification (germline): Uncertain significance (1 of 4 stars; one submission).

Conditions:
Glycogen storage disease IXa1. Also called: GLYCOGEN STORAGE DISEASE VIII; GSD VIII; LIVER GLYCOGENOSIS, X-LINKED, TYPE I; Glycogen storage disease 8. Identifiers: Orphanet 264580, MedGen C3694531, MONDO:0010598, OMIM 306000.

Allele frequency attached by ClinVar (database versions not stated): gnomAD exomes 0.00001 and 0.00002; TOPMed 0.00001; gnomAD 0.00004.

Submission:

Labcorp Genetics (formerly Invitae), Labcorp
Classification: Uncertain significance for Glycogen storage disease IXa1. Last evaluated: 2020-07-12. Review status: criteria provided, single submitter. Criteria: Invitae Variant Classification Sherloc (09022015). Collection method: clinical testing. Allele origin: germline.
Comment: In summary, the available evidence is currently insufficient to determine the role of this variant in disease. Therefore, it has been classified as a Variant of Uncertain Significance. Algorithms developed to predict the effect of missense changes on protein structure and function output the following: SIFT: "Deleterious"; PolyPhen-2: "Benign"; Align-GVGD: "Class C0". The isoleucine amino acid residue is found in multiple mammalian species, suggesting that this missense change does not adversely affect protein function. These predictions have not been confirmed by published functional studies and their clinical significance is uncertain. This variant has not been reported in the literature in individuals with PHKA2-related conditions. This variant is not present in population databases (ExAC no frequency). This sequence change replaces valine with isoleucine at codon 462 of the PHKA2 protein (p.Val462Ile). The valine residue is highly conserved and there is a small physicochemical difference between valine and isoleucine.